The following is an entry in ClinVar:

NM_001151.4(SLC25A4):c.265T>C (p.Phe89Leu)

Gene: SLC25A4 (solute carrier family 25 member 4; plus strand). Cytogenetic location: 4q35.1.
Variant type: single nucleotide variant.
Coding change: c.265T>C on transcript NM_001151.4 (MANE Select); coding-DNA position 265, T replaced by C.
Protein change: p.Phe89Leu; replaces phenylalanine 89 with leucine.
Molecular consequence: missense variant.
Genome position (GRCh38, 1-based): chr4:185,144,917, T>C. VCF-style: chr4-185144917-T-C. GRCh37 (hg19) VCF-style: chr4-186066071-T-C.
Other names: short protein forms F89L.
Identifiers: ClinVar variation 3775600 (VCV003775600.1).

ClinVar aggregate classification (germline): Uncertain significance (1 of 4 stars; one submission).

Conditions:
Mitochondrial DNA depletion syndrome 12B (cardiomyopathic type), autosomal recessive. Also called: Mitochondrial DNA depletion syndrome 12B (cardiomyopathic type) AR. Identifiers: Orphanet 1369, MedGen C3809443, MONDO:0014175, OMIM 615418.

Submission:

3billion
Classification: Uncertain significance for Mitochondrial DNA depletion syndrome 12B (cardiomyopathic type), autosomal recessive. Last evaluated: 2023-08-01. Review status: criteria provided, single submitter. Criteria: ACMG Guidelines, 2015. Collection method: clinical testing. Allele origin: germline. Affected: yes.
Comment: The variant is not observed in the gnomAD v2.1.1 dataset. Predicted Consequence/Location: Missense variant In silico tool predictions suggest damaging effect of the variant on gene or gene product (REVEL: 0.90 (>=0.6, sensitivity 0.68 and specificity 0.92); 3Cnet: 0.27 (>=0.6, sensitivity 0.72 and precision 0.9)). Therefore, this variant is classified as VUS according to the recommendation of ACMG/AMP guideline.